The following is an entry in ClinVar:

ClinVar aggregate classification (germline): Uncertain significance (1 of 4 stars; one submission).

Submission:

Labcorp Genetics (formerly Invitae), Labcorp
Classification: Uncertain significance. Last evaluated: 2018-03-31. Review status: criteria provided, single submitter. Criteria: Invitae Variant Classification Sherloc (09022015). Collection method: clinical testing. Allele origin: germline.
Comment: In summary, the available evidence is currently insufficient to determine the role of this variant in disease. Therefore, it has been classified as a Variant of Uncertain Significance. Algorithms developed to predict the effect of missense changes on protein structure and function do not agree on the potential impact of this missense change (SIFT: "Tolerated"; PolyPhen-2: "Possibly Damaging"; Align-GVGD: "Class C0"). This variant has not been reported in the literature in individuals with POLE-related disease. This variant is not present in population databases (ExAC no frequency). This sequence change replaces proline with threonine at codon 338 of the POLE protein (p.Pro338Thr). The proline residue is moderately conserved and there is a small physicochemical difference between proline and threonine.

NM_006231.4(POLE):c.1012C>A (p.Pro338Thr)

Gene: POLE (DNA polymerase epsilon, catalytic subunit; minus strand). Cytogenetic location: 12q24.33.
Variant type: single nucleotide variant.
Coding change: c.1012C>A on transcript NM_006231.4 (MANE Select); coding-DNA position 1012, C replaced by A.
Protein change: p.Pro338Thr; replaces proline 338 with threonine.
Molecular consequence: missense variant.
Genome position (GRCh38, 1-based): chr12:132,676,102, G>T on the plus strand (C>A on the coding strand, the complement: POLE is on the minus strand). VCF-style: chr12-132676102-G-T. GRCh37 (hg19) VCF-style: chr12-133252688-G-T.
Other names: short protein forms P338T.
Identifiers: ClinVar variation 565997 (VCV000565997.8), dbSNP rs1565976008, ClinGen allele CA387363416.
Genomic context (GRCh38, chr12:132,676,102, plus strand): 5'-ATGTCCGTTCTTCCCACAATACCGGGTAGTTTCCCAAGTGATACCTCCTTACCTCATCGG[G>T]TTCATTGAAGACACAAAAGGGGCCTTCATATTCTGGCTTGGGGGTGAACTCAAAATCTTC-3'
Protein context (NP_006222.2, residues 328-348): YEGPFCVFNE[Pro338Thr]DEAHLIQRWF